The following is an entry in ClinVar:

ClinVar aggregate classification (germline): Uncertain significance (1 of 4 stars; one submission).

gnomAD v4.1: 5 of 1,613,486 alleles (0.00031%); highest among the groups gnomAD compares: East Asian, 0.0045%; no homozygotes.

Submission:

CeGaT Center for Human Genetics Tuebingen
Classification: Uncertain significance. Last evaluated: 2024-08-01. Review status: criteria provided, single submitter. Criteria: CeGaT Center For Human Genetics Tuebingen Variant Classification Criteria Version 2. Collection method: clinical testing. Allele origin: germline. Affected: yes. Observed: 1 variant allele.
Comment: TTN: PM2, BP4

NM_001267550.2(TTN):c.7747C>T (p.His2583Tyr)

Gene: TTN (titin; minus strand). Cytogenetic location: 2q31.2.
Variant type: single nucleotide variant.
Coding change: c.7747C>T on transcript NM_001267550.2 (MANE Select); coding-DNA position 7747, C replaced by T.
Protein change: p.His2583Tyr; replaces histidine 2583 with tyrosine.
Molecular consequence: missense variant.
Genome position (GRCh38, 1-based): chr2:178,773,217, G>A on the plus strand (C>T on the coding strand, the complement: TTN is on the minus strand). VCF-style: chr2-178773217-G-A. GRCh37 (hg19) VCF-style: chr2-179637944-G-A.
Other names: c.7747C>T, p.His2583Tyr (NM_001256850.1, NM_133378.4, NM_133379.5); c.7609C>T, p.His2537Tyr (NM_003319.4, NM_133432.3, NM_133437.4); short protein forms H2537Y, H2583Y.
Identifiers: ClinVar variation 3342201 (VCV003342201.16).